The following is an entry in ClinVar:

NM_198578.4(LRRK2):c.6691G>A (p.Asp2231Asn)

Gene: LRRK2 (leucine rich repeat kinase 2; plus strand). Cytogenetic location: 12q12.
Variant type: single nucleotide variant.
Coding change: c.6691G>A on transcript NM_198578.4 (MANE Select); coding-DNA position 6691, G replaced by A.
Protein change: p.Asp2231Asn; replaces aspartic acid 2231 with asparagine.
Molecular consequence: missense variant.
Genome position (GRCh38, 1-based): chr12:40,354,413, G>A. VCF-style: chr12-40354413-G-A. GRCh37 (hg19) VCF-style: chr12-40748215-G-A.
Other names: short protein forms D2231N.
Identifiers: ClinVar variation 1754917 (VCV001754917.2), dbSNP rs2499993694, ClinGen allele CA384409318.

ClinVar aggregate classification (germline): Uncertain significance (1 of 4 stars; one submission).

Conditions:
Inborn genetic diseases. Identifiers: MedGen C0950123, MeSH D030342.

Submission:

Ambry Genetics
Classification: Uncertain significance for Inborn genetic diseases. Last evaluated: 2022-05-21. Review status: criteria provided, single submitter. Criteria: Ambry Variant Classification Scheme 2023. Collection method: clinical testing. Allele origin: germline.
Comment: The p.D2231N variant (also known as c.6691G>A), located in coding exon 45 of the LRRK2 gene, results from a G to A substitution at nucleotide position 6691. The aspartic acid at codon 2231 is replaced by asparagine, an amino acid with highly similar properties. This amino acid position is conserved. In addition, this alteration is predicted to be tolerated by in silico analysis. Since supporting evidence is limited at this time, the clinical significance of this alteration remains unclear.